The following is an entry in ClinVar:

NM_000206.3(IL2RG):c.683A>T (p.Asn228Ile)

Gene: IL2RG (interleukin 2 receptor subunit gamma; minus strand). Cytogenetic location: Xq13.1.
Variant type: single nucleotide variant.
Coding change: c.683A>T on transcript NM_000206.3 (MANE Select); coding-DNA position 683, A replaced by T.
Protein change: p.Asn228Ile; replaces asparagine 228 with isoleucine.
Molecular consequence: missense variant.
Genome position (GRCh38, 1-based): chrX:71,109,302, T>A on the plus strand (A>T on the coding strand, the complement: IL2RG is on the minus strand). VCF-style: chrX-71109302-T-A. GRCh37 (hg19) VCF-style: chrX-70329152-T-A.
Other names: c.683A>T, p.Asn228Ile (NM_001438870.1); short protein forms N228I.
Identifiers: ClinVar variation 4709750 (VCV004709750.2).

ClinVar aggregate classification (germline): Uncertain significance. Review status: criteria provided, multiple submitters, no conflicts (2 of 4 stars). 2 submissions from 2 submitters: Uncertain significance (2). Last evaluated 2025-10-24.

Conditions:
IL2RG-related disorder. Also called: IL2RG-related condition.
X-linked severe combined immunodeficiency (SCIDX1). Also called: IMMUNODEFICIENCY 4; SCID, X-LINKED; SEVERE COMBINED IMMUNODEFICIENCY, X-LINKED, T CELL-NEGATIVE, B CELL-POSITIVE, NK CELL-NEGATIVE; X-Linked Combined Immunodeficiency Diseases; T-B+ severe combined immunodeficiency due to gamma chain deficiency. Identifiers: Orphanet 276, MedGen C6022468, MONDO:0010315, OMIM 300400. Disease mechanism: loss of function.

Submissions (2):

PreventionGenetics, part of Exact Sciences
Classification: Uncertain significance for IL2RG-related condition. Last evaluated: 2025-10-24. Review status: criteria provided, single submitter. Criteria: ACMG Guidelines, 2015. Collection method: clinical testing. Allele origin: germline.
Comment: The IL2RG c.683A>T variant is predicted to result in the amino acid substitution p.Asn228Ile. To our knowledge, this variant has not been reported in the literature or in a large population database (gnomAD), indicating this variant is rare. At this time, the clinical significance of this variant is uncertain due to the absence of conclusive functional and genetic evidence.

Labcorp Genetics (formerly Invitae), Labcorp
Classification: Uncertain significance for X-linked severe combined immunodeficiency. Last evaluated: 2025-09-02. Review status: criteria provided, single submitter. Criteria: Invitae Variant Classification Sherloc (09022015). Collection method: clinical testing. Allele origin: germline.
Comment: This sequence change replaces asparagine, which is neutral and polar, with isoleucine, which is neutral and non-polar, at codon 228 of the IL2RG protein (p.Asn228Ile). This variant is not present in population databases (gnomAD no frequency). This variant has not been reported in the literature in individuals affected with IL2RG-related conditions. Invitae Evidence Modeling of protein sequence and biophysical properties (such as structural, functional, and spatial information, amino acid conservation, physicochemical variation, residue mobility, and thermodynamic stability) indicates that this missense variant is expected to disrupt IL2RG protein function with a positive predictive value of 95%. In summary, the available evidence is currently insufficient to determine the role of this variant in disease. Therefore, it has been classified as a Variant of Uncertain Significance.